The following is an entry in ClinVar:

NM_017780.4(CHD7):c.3403A>G (p.Thr1135Ala)

Gene: CHD7 (chromodomain helicase DNA binding protein 7; plus strand). Cytogenetic location: 8q12.2.
Variant type: single nucleotide variant.
Coding change: c.3403A>G on transcript NM_017780.4 (MANE Select); coding-DNA position 3403, A replaced by G.
Protein change: p.Thr1135Ala; replaces threonine 1135 with alanine.
Molecular consequence: missense variant. On other transcripts: intron variant (1).
Genome position (GRCh38, 1-based): chr8:60,828,687, A>G. VCF-style: chr8-60828687-A-G. GRCh37 (hg19) VCF-style: chr8-61741246-A-G.
Other names: c.1717-33542A>G (NM_001316690.1); short protein forms T1135A.
Identifiers: ClinVar variation 1803597 (VCV001803597.1), dbSNP rs2487843660, ClinGen allele CA371314159.

ClinVar aggregate classification (germline): Uncertain significance (1 of 4 stars; one submission).

Submission:

GeneDx
Classification: Uncertain significance. Last evaluated: 2022-11-22. Review status: criteria provided, single submitter. Criteria: GeneDx Variant Classification Process June 2021. Collection method: clinical testing. Allele origin: germline. Affected: yes.
Comment: Not observed at significant frequency in large population cohorts (gnomAD); In silico analysis supports that this missense variant has a deleterious effect on protein structure/function; Has not been previously published as pathogenic or benign to our knowledge